The following is an entry in ClinVar:

ClinVar aggregate classification (germline): Uncertain significance (1 of 4 stars; one submission).

Conditions:
Hereditary cancer-predisposing syndrome. Also called: Neoplastic Syndromes, Hereditary; Tumor predisposition; Hereditary neoplastic syndrome; Hereditary Cancer Syndrome. Identifiers: Orphanet 140162, MedGen C0027672, MeSH D009386, MONDO:0015356.

Submission:

Ambry Genetics
Classification: Uncertain significance for Hereditary cancer-predisposing syndrome. Last evaluated: 2026-07-06. Review status: criteria provided, single submitter. Criteria: Ambry Variant Classification Scheme 2023. Collection method: clinical testing. Allele origin: germline.
Comment: The p.G274C variant (also known as c.820G>T), located in coding exon 6 of the CDH1 gene, results from a G to T substitution at nucleotide position 820. The glycine at codon 274 is replaced by cysteine, an amino acid with highly dissimilar properties. This amino acid position is conserved. In addition, the in silico prediction for this alteration is inconclusive. Based on the available evidence, the clinical significance of this variant remains unclear.

NM_004360.5(CDH1):c.820G>T (p.Gly274Cys)

Gene: CDH1 (cadherin 1; plus strand). Cytogenetic location: 16q22.1.
Variant type: single nucleotide variant.
Coding change: c.820G>T on transcript NM_004360.5 (MANE Select); coding-DNA position 820, G replaced by T.
Protein change: p.Gly274Cys; replaces glycine 274 with cysteine.
Molecular consequence: missense variant. On other transcripts: 5 prime UTR variant (2).
Genome position (GRCh38, 1-based): chr16:68,810,329, G>T. VCF-style: chr16-68810329-G-T. GRCh37 (hg19) VCF-style: chr16-68844232-G-T.
Other names: c.820G>T, p.Gly274Cys (NM_001317184.2); c.-796G>T (NM_001317185.2); c.-1000G>T (NM_001317186.2); short protein forms G274C.
Identifiers: ClinVar variation 5033924 (VCV005033924.1).
Genomic context (GRCh38, chr16:68,810,329, plus strand): 5'-GATCAGAATGACAACAAGCCCGAATTCACCCAGGAGGTCTTTAAGGGGTCTGTCATGGAA[G>T]GTGCTCTTCCAGGTATATCCACTAATGAGAATCTGAATACTCAGAAAGACTCTTAGGTTC-3'
Protein context (NP_004351.1, residues 264-284): QEVFKGSVME[Gly274Cys]ALPGTSVMEV